The following is an entry in ClinVar:

NM_152501.5(PYHIN1):c.602G>A (p.Arg201His)

Gene: PYHIN1 (pyrin and HIN domain family member 1; plus strand). Cytogenetic location: 1q23.1.
Variant type: single nucleotide variant.
Coding change: c.602G>A on transcript NM_152501.5 (MANE Select); coding-DNA position 602, G replaced by A.
Protein change: p.Arg201His; replaces arginine 201 with histidine.
Molecular consequence: missense variant.
Genome position (GRCh38, 1-based): chr1:158,941,999, G>A. VCF-style: chr1-158941999-G-A. GRCh37 (hg19) VCF-style: chr1-158911789-G-A.
Other names: c.575G>A, p.Arg192His (NM_198928.5, NM_198930.4); c.602G>A, p.Arg201His (NM_198929.5); short protein forms R192H, R201H.
Identifiers: ClinVar variation 161854 (VCV000161854.2), dbSNP rs193920831, ClinGen allele CA174912.
Genomic context (GRCh38, chr1:158,941,999, plus strand): 5'-AAAATTTCTTTTTTGTATTCCTTTTGTATCATGCGCAGAGCCTAAAACCATTGGCCAACC[G>A]TCACGCAACTGCCAGTAAAAATATTTTCCGAGAAGACCCAATAATCGCGATGGTACTAAA-3'
Protein context (NP_689714.2, residues 191-211): STESLKPLAN[Arg201His]HATASKNIFR

ClinVar aggregate classification (germline): Uncertain significance (0 of 4 stars; one submission).

Conditions:
Prostate cancer. Also called: Malignant tumor of prostate. Identifiers: Orphanet 1331, MedGen C0376358, MONDO:0008315, HP:0012125.

Allele frequency attached by ClinVar (database versions not stated): gnomAD exomes 0.00004 and 0.00009; TOPMed 0.00010; ESP Exome Variant Server 0.00008; ExAC 0.00008; gnomAD 0.00011.

Submission:

Science for Life laboratory,  Karolinska Institutet
Classification: Uncertain significance for Malignant tumor of prostate. Review status: no assertion criteria provided. Collection method: not provided. Allele origin: somatic.
Comment: TumorID:SWE-13
ClinVar note: Converted during submission from Unknown to Uncertain significance.